The following is an entry in ClinVar:

NM_006231.4(POLE):c.409G>A (p.Glu137Lys)

Gene: POLE (DNA polymerase epsilon, catalytic subunit; minus strand). Cytogenetic location: 12q24.33.
Variant type: single nucleotide variant.
Coding change: c.409G>A on transcript NM_006231.4 (MANE Select); coding-DNA position 409, G replaced by A.
Protein change: p.Glu137Lys; replaces glutamic acid 137 with lysine.
Molecular consequence: missense variant.
Genome position (GRCh38, 1-based): chr12:132,679,968, C>T on the plus strand (G>A on the coding strand, the complement: POLE is on the minus strand). VCF-style: chr12-132679968-C-T. GRCh37 (hg19) VCF-style: chr12-133256554-C-T.
Other names: short protein forms E137K.
Identifiers: ClinVar variation 1737810 (VCV001737810.2), dbSNP rs2542190335, ClinGen allele CA387368029.
Genomic context (GRCh38, chr12:132,679,968, plus strand): 5'-TAGACTCTGGCCTCATTTACCCCTGGAAAGTCTGGGTGATACTCACCAAGTCCAGATCCT[C>T]TTTGGGGACAGTCTCCACTTTTGCAATTTTGCCCTGAAACTTCTTGGAGAGAAAAGATGA-3'
Protein context (NP_006222.2, residues 127-147): KIAKVETVPK[Glu137Lys]DLDLPNHLVG

ClinVar aggregate classification (germline): Uncertain significance (1 of 4 stars; one submission).

Conditions:
Hereditary cancer-predisposing syndrome. Also called: Neoplastic Syndromes, Hereditary; Tumor predisposition; Hereditary Cancer Syndrome; Hereditary neoplastic syndrome. Identifiers: Orphanet 140162, MedGen C0027672, MeSH D009386, MONDO:0015356.

Submission:

Ambry Genetics
Classification: Uncertain significance for Hereditary cancer-predisposing syndrome. Last evaluated: 2022-09-03. Review status: criteria provided, single submitter. Criteria: Ambry Variant Classification Scheme 2023. Collection method: clinical testing. Allele origin: germline.
Comment: The p.E137K variant (also known as c.409G>A), located in coding exon 5 of the POLE gene, results from a G to A substitution at nucleotide position 409. The glutamic acid at codon 137 is replaced by lysine, an amino acid with similar properties. This amino acid position is conserved. In addition, the in silico prediction for this alteration is inconclusive. Since supporting evidence is limited at this time, the clinical significance of this alteration remains unclear.